The following is an entry in ClinVar:

ClinVar aggregate classification (germline): Conflicting classifications of pathogenicity. Review status: criteria provided, conflicting classifications (1 of 4 stars). 2 submissions from 2 submitters: Uncertain significance (1); Likely benign (1). Last evaluated 2025-02-21.

Conditions:
Severe myoclonic epilepsy in infancy (DRVT). Also called: SEVERE MYOCLONIC EPILEPSY OF INFANCY; DEVELOPMENTAL AND EPILEPTIC ENCEPHALOPATHY 6A; Epileptic encephalopathy, early infantile, 6 (Dravet syndrome); Dravet syndrome; Severe Myoclonic Epilepsy in Infancy (SMEI). Identifiers: Orphanet 33069, MedGen C0751122, MONDO:0100135, OMIM 607208.

Submissions (2):

3billion
Classification: Uncertain significance for Severe myoclonic epilepsy in infancy. Last evaluated: 2025-02-21. Review status: criteria provided, single submitter. Criteria: ACMG Guidelines, 2015. Collection method: clinical testing. Allele origin: germline. Affected: yes.
Comment: The variant is not observed in the gnomAD v4.1.0 dataset. Predicted Consequence/Location: Intron variant In silico tools predict the variant to alter splicing and produce an abnormal transcript [SpliceAI: 0.24 (>=0.2, moderate evidence for spliceogenicity)]. The variant has been reported as benign without evidence for the classification (ClinVar ID: VCV000390525). Therefore, this variant is classified as VUS according to the recommendation of ACMG/AMP guideline.

GeneDx
Classification: Likely benign. Last evaluated: 2016-11-01. Review status: criteria provided, single submitter. Criteria: GeneDx Variant Classification (06012015). Collection method: clinical testing. Allele origin: germline. Affected: yes.
Comment: This variant is considered likely benign or benign based on one or more of the following criteria: it is a conservative change, it occurs at a poorly conserved position in the protein, it is predicted to be benign by multiple in silico algorithms, and/or has population frequency not consistent with disease.

NM_001165963.4(SCN1A):c.4476+6T>C

Genes: SCN1A (sodium voltage-gated channel alpha subunit 1; minus strand), LOC102724058 (uncharacterized LOC102724058; plus strand). Cytogenetic location: 2q24.3.
Variant type: single nucleotide variant.
Coding change: c.4476+6T>C on transcript NM_001165963.4 (MANE Select); 6 bases into the intron after coding-DNA position 4476, T replaced by C.
Molecular consequence: intron variant.
Genome position (GRCh38, 1-based): chr2:165,998,032, A>G on the plus strand (T>C on the coding strand, the complement: SCN1A is on the minus strand). VCF-style: chr2-165998032-A-G. GRCh37 (hg19) VCF-style: chr2-166854542-A-G.
Other names: c.4443+6T>C (NM_001353949.2, NM_001353950.2, NM_001353951.2 and 2 more transcripts); c.4392+6T>C (NM_001353958.2, NM_001353957.2, NM_001165964.3); c.4476+6T>C (NM_001202435.3, NM_001353948.2); c.4440+6T>C (NM_001353955.2, NM_001353954.2); c.4389+6T>C (NM_001353960.2); c.2034+6T>C (NM_001353961.2).
Identifiers: ClinVar variation 390525 (VCV000390525.2), dbSNP rs1057523807, ClinGen allele CA16603835.